The following is an entry in ClinVar:

NM_004415.4(DSP):c.8488C>T (p.Arg2830Cys)

Gene: DSP (desmoplakin; plus strand). Cytogenetic location: 6p24.3.
Variant type: single nucleotide variant.
Coding change: c.8488C>T on transcript NM_004415.4 (MANE Select); coding-DNA position 8488, C replaced by T.
Protein change: p.Arg2830Cys; replaces arginine 2830 with cysteine.
Molecular consequence: missense variant.
Genome position (GRCh38, 1-based): chr6:7,585,750, C>T. VCF-style: chr6-7585750-C-T. GRCh37 (hg19) VCF-style: chr6-7585983-C-T.
Other names: c.6691C>T, p.Arg2231Cys (NM_001008844.3); c.7159C>T, p.Arg2387Cys (NM_001319034.2); short protein forms R2231C, R2830C, R2387C.
Identifiers: ClinVar variation 1444393 (VCV001444393.6), dbSNP rs1354218745, ClinGen allele CA362695248.
Genomic context (GRCh38, chr6:7,585,750, plus strand): 5'-TCCAAGGGCTTACCCAGCCCTTACAACATGTCTTCGGCTCCGGGGTCCCGCTCCGGCTCC[C>T]GCTCGGGATCTCGCTCCGGATCTCGCTCCGGGTCCCGCAGTGGGTCCCGGAGAGGAAGCT-3'
Protein context (NP_004406.2, residues 2820-2840): SSAPGSRSGS[Arg2830Cys]SGSRSGSRSG

ClinVar aggregate classification (germline): Uncertain significance. Review status: criteria provided, multiple submitters, no conflicts (2 of 4 stars). 2 submissions from 2 submitters: Uncertain significance (2). Last evaluated 2024-02-15.

Conditions:
Woolly hair-skin fragility syndrome (WHSF). Identifiers: Orphanet 293165, MedGen C1843292, MONDO:0957307, OMIM 620415.
Cardiomyopathy, dilated, with wooly hair, keratoderma, and tooth agenesis. Also called: Erythrokeratodermia-cardiomyopathy syndrome; Cardiomyopathy, dilated, with woolly hair, keratoderma, and tooth agenesis. Identifiers: Orphanet 476096, Orphanet 65282, MedGen C4014393, MONDO:0014355, OMIM 615821.
Arrhythmogenic cardiomyopathy with wooly hair and keratoderma. Also called: Dilated cardiomyopathy with woolly hair and keratoderma; PALMOPLANTAR KERATODERMA WITH LEFT VENTRICULAR CARDIOMYOPATHY AND WOOLLY HAIR; Carvajal syndrome; Arrhythmogenic cardiomyopathy with woolly hair and keratoderma. Identifiers: Orphanet 65282, MedGen C1854063, MONDO:0011581, OMIM 605676.
Arrhythmogenic right ventricular dysplasia 8 (ARVD8). Also called: Arrhythmogenic Right Ventricular Dysplasia/Cardiomyopathy 8; ARRHYTHMOGENIC RIGHT VENTRICULAR DYSPLASIA, FAMILIAL, 8; ARRHYTHMOGENIC RIGHT VENTRICULAR CARDIOMYOPATHY 8. Identifiers: MedGen C1843896, MONDO:0011831, OMIM 607450.
Lethal acantholytic epidermolysis bullosa (EBLA). Identifiers: Orphanet 158687, MedGen C1864826, MONDO:0012323, OMIM 609638.
Keratosis palmoplantaris striata 2. Also called: KERATODERMA, PALMOPLANTAR, STRIATE FORM II; STRIATE PALMOPLANTAR KERATODERMA II; Keratosis palmoplantaris striata II. Identifiers: MedGen C1852127, MONDO:0013034, OMIM 612908.

Allele frequency attached by ClinVar (database versions not stated): gnomAD exomes below 0.00001 and 0.00001; TOPMed 0.00001.
gnomAD v4.1: 13 of 1,609,886 alleles (0.00081%); highest among the groups gnomAD compares: Non-Finnish European, 0.0011%; no homozygotes.

Submissions (2):

Labcorp Genetics (formerly Invitae), Labcorp
Classification: Uncertain significance for Arrhythmogenic cardiomyopathy with wooly hair and keratoderma; Arrhythmogenic right ventricular dysplasia 8. Last evaluated: 2024-02-15. Review status: criteria provided, single submitter. Criteria: Invitae Variant Classification Sherloc (09022015). Collection method: clinical testing. Allele origin: germline.
Comment: This sequence change replaces arginine, which is basic and polar, with cysteine, which is neutral and slightly polar, at codon 2830 of the DSP protein (p.Arg2830Cys). This variant is present in population databases (no rsID available, gnomAD 0.0009%). This variant has not been reported in the literature in individuals affected with DSP-related conditions. ClinVar contains an entry for this variant (Variation ID: 1444393). An algorithm developed to predict the effect of missense changes on protein structure and function (PolyPhen-2) suggests that this variant is likely to be disruptive. In summary, the available evidence is currently insufficient to determine the role of this variant in disease. Therefore, it has been classified as a Variant of Uncertain Significance.

Fulgent Genetics
Classification: Uncertain significance for Arrhythmogenic cardiomyopathy with wooly hair and keratoderma; Arrhythmogenic right ventricular dysplasia 8; Lethal acantholytic epidermolysis bullosa; Keratosis palmoplantaris striata 2; Cardiomyopathy, dilated, with wooly hair, keratoderma, and tooth agenesis. Last evaluated: 2021-10-07. Review status: criteria provided, single submitter. Criteria: ACMG Guidelines, 2015. Collection method: clinical testing. Allele origin: unknown.